The following is an entry in ClinVar:

ClinVar aggregate classification (germline): Likely benign. Review status: criteria provided, multiple submitters, no conflicts (2 of 4 stars). 3 submissions from 3 submitters: Likely benign (3). Last evaluated 2025-11-21.

Conditions:
Familial isolated arrhythmogenic right ventricular dysplasia. Identifiers: Orphanet 217656, MedGen C4274968, MONDO:0016342.
Cardiovascular phenotype. Identifiers: MedGen CN230736.
Arrhythmogenic right ventricular dysplasia 11. Also called: Arrhythmogenic Right Ventricular Dysplasia/Cardiomyopathy11; ARRHYTHMOGENIC RIGHT VENTRICULAR DYSPLASIA, FAMILIAL, 11; Arrhythmogenic right ventricular dysplasia 11 with mild palmoplantar keratoderma and woolly hair. Identifiers: MedGen C1864850, MONDO:0012506, OMIM 610476.

Allele frequency attached by ClinVar (database versions not stated): gnomAD exomes below 0.00001; TOPMed 0.00001; gnomAD 0.00002.
gnomAD v4.1: 4 of 1,528,158 alleles (0.00026%); highest among the groups gnomAD compares: African/African-American, 0.0056%; no homozygotes.

Submissions (3):

Labcorp Genetics (formerly Invitae), Labcorp
Classification: Likely benign for Arrhythmogenic right ventricular dysplasia 11. Last evaluated: 2025-11-21. Review status: criteria provided, single submitter. Criteria: Invitae Variant Classification Sherloc (09022015). Collection method: clinical testing. Allele origin: germline.

Ambry Genetics
Classification: Likely benign for Cardiovascular phenotype. Last evaluated: 2024-09-25. Review status: criteria provided, single submitter. Criteria: Ambry Variant Classification Scheme 2023. Collection method: clinical testing. Allele origin: germline.

All of Us Research Program, National Institutes of Health
Classification: Likely benign for Familial isolated arrhythmogenic right ventricular dysplasia. Last evaluated: 2023-09-09. Review status: criteria provided, single submitter. Criteria: ACMG Guidelines, 2015. Collection method: clinical testing. Allele origin: germline. Inheritance: Autosomal dominant inheritance. Observed: 2 variant alleles, 2 heterozygotes.
Comment: This study involves interpretation of variants in research participants for the purpose of population health screening. Participant phenotype was not available at the time of variant classification. Additional details can be found in publication PMID: 35346344, PMCID: PMC8962531

NM_024422.6(DSC2):c.27C>T (p.Ser9=)

Genes: DSC2 (desmocollin 2; minus strand), DSCAS (DSC1/DSC2 antisense RNA; plus strand). Cytogenetic location: 18q12.1.
Variant type: single nucleotide variant.
Coding change: c.27C>T on transcript NM_024422.6 (MANE Select); coding-DNA position 27, C replaced by T.
Protein change: p.Ser9=; no amino-acid change (serine 9 retained).
Molecular consequence: synonymous variant.
Genome position (GRCh38, 1-based): chr18:31,101,945, G>A on the plus strand (C>T on the coding strand, the complement: DSC2 is on the minus strand). VCF-style: chr18-31101945-G-A. GRCh37 (hg19) VCF-style: chr18-28681908-G-A.
Other names: c.27C>T (NM_024422.3); c.27C>T, p.Ser9= (NM_004949.5).
Identifiers: ClinVar variation 1656543 (VCV001656543.11), dbSNP rs1406804472, ClinGen allele CA503391578.